The following is an entry in ClinVar:

NM_001040142.2(SCN2A):c.2604T>G (p.Asn868Lys)

Gene: SCN2A (sodium voltage-gated channel alpha subunit 2; plus strand). Cytogenetic location: 2q24.3.
Variant type: single nucleotide variant.
Coding change: c.2604T>G on transcript NM_001040142.2 (MANE Select); coding-DNA position 2604, T replaced by G.
Protein change: p.Asn868Lys; replaces asparagine 868 with lysine.
Molecular consequence: missense variant.
Genome position (GRCh38, 1-based): chr2:165,344,596, T>G. VCF-style: chr2-165344596-T-G. GRCh37 (hg19) VCF-style: chr2-166201106-T-G.
Other names: p.N868K:AAT>AAG; c.2604T>G, p.Asn868Lys (NM_001040143.2, NM_001371246.1, NM_001371247.1 and 1 more transcripts); short protein forms N868K.
Identifiers: ClinVar variation 206968 (VCV000206968.2), dbSNP rs796053114, ClinGen allele CA317874.

ClinVar aggregate classification (germline): Likely pathogenic (1 of 4 stars; one submission).

Submission:

GeneDx
Classification: Likely pathogenic. Last evaluated: 2013-10-07. Review status: criteria provided, single submitter. Criteria: GeneDx Variant Classification (06012015). Collection method: clinical testing. Allele origin: germline. Affected: yes.
Comment: The Asn868Lys missense change has not been published as a mutation, nor has it been reported as a benign polymorphism to our knowledge. It was not observed in approximately 6,500 individuals of European and African American ancestry in the NHLBI Exome Sequencing Project, indicating it is not a common benign variant in these populations. This variant is a non-conservative amino acid substitution of an uncharged Asparagine residue with a positively charged Lysine residue. The variant alters a highly conserved position between the S4 and S5 repeats of the second transmembrane domain. In silico analysis predicts this variant is probably damaging to the protein structure/function. Therefore, based on the currently available information, it is unclear whether Asn868Lys is a disease-causing mutation or a rare benign variant. The variant is found in INFANT-EPI panel(s).